The following is an entry in ClinVar:

ClinVar aggregate classification (germline): Pathogenic/Likely pathogenic. Review status: criteria provided, multiple submitters, no conflicts (2 of 4 stars). 2 submissions from 2 submitters: Pathogenic (1); Likely pathogenic (1). Last evaluated 2023-01-25.

Conditions:
Leukodystrophy, hypomyelinating, 18. Identifiers: MedGen C5193078, MONDO:0032730, OMIM 618404.

Submissions (2):

Broad Center for Mendelian Genomics, Broad Institute of MIT and Harvard
Classification: Likely pathogenic for Leukodystrophy, hypomyelinating, 18. Last evaluated: 2023-01-25. Review status: criteria provided, single submitter. Criteria: ACMG Guidelines, 2015. Collection method: curation. Allele origin: germline. Inheritance: Autosomal recessive inheritance.
Comment: The heterozygous p.Tyr284fs*Ter1 variant in DEGS1 was identified by our study, in the compound heterozygous state, along with a likely pathogenic variant (NC_000001.11:g.224184731_224191812dup), in two siblings with hypomyelinating leukodystrophy. Familial genome analysis revealed that this variant was in trans with a likely pathogenic variant (NC_000001.11:g.224184731_224191812dup). The p.Tyr284fs*Ter1 variant in DEGS1 has been previously reported in two siblings with hypomyelinating leukodystrophy 18 from one family and segregated with disease in this family (PMID: 30620337). The individuals previously reported were homozygotes (PMID: 30620337) and the individuals identified by our study were compound heterozygotes who carried this variant in trans with a likely pathogenic variant (NC_000001.11:g.224184731_224191812dup), which increases the likelihood that the p.Tyr284fs*Ter1 variant is pathogenic. This variant has also been reported in ClinVar (Variation ID: 1172541) and has been interpreted as pathogenic by the NIH Undiagnosed Diseases Network. This variant was absent from large population studies. This variant is predicted to cause a frameshift, which alters the protein‚Äôs amino acid sequence beginning at position 284 and leads to a premature termination codon 1 amino acids downstream. This termination codon occurs within the last exon and is more likely to escape nonsense mediated decay (NMD) and result in a truncated protein. Loss of function of the DEGS1 gene is strongly associated to autosomal recessive hypomyelinating leukodystrophy 18. In summary, although additional studies are required to fully establish its clinical significance, this variant is likely pathogenic for autosomal recessive hypomyelinating leukodystrophy 18. ACMG/AMP Criteria applied: PVS1_Moderate, PM2_Supporting, PM3, PP1 (Richards 2015).

Undiagnosed Diseases Network, NIH
Classification: Pathogenic for Leukodystrophy, hypomyelinating, 18. Last evaluated: 2021-05-24. Review status: criteria provided, single submitter. Criteria: ACMG Guidelines, 2015. Collection method: clinical testing. Allele origin: paternal. Inheritance: Autosomal recessive inheritance. Affected: yes. Observed: 1 variant allele, 1 heterozygote. Study: Undiagnosed Diseases Network (NIH), UDN.

NM_003676.4(DEGS1):c.852_855del (p.Tyr283_Tyr284insTer)

Gene: DEGS1 (delta 4-desaturase, sphingolipid 1; plus strand). Cytogenetic location: 1q42.11.
Variant type: Deletion.
Coding change: c.852_855del on transcript NM_003676.4 (MANE Select); coding-DNA positions 852 to 855, 4 bases deleted (TGAC; older notation c.852_855delTGAC).
Protein change: p.Tyr283_Tyr284insTer.
Molecular consequence: nonsense. On other transcripts: 3 prime UTR variant (1).
Genome position (GRCh38, 1-based): chr1:224,192,358-224,192,361, TGAC deleted. VCF-style (leftmost placement, unchanged base first): chr1-224192357-ATGAC-A. GRCh37 (hg19) VCF-style: chr1-224380059-ATGAC-A.
Other names: NM_003676.4(DEGS1):c.852_855del; p.Tyr283_Tyr284insTer; c.*50_*53del (NM_001321541.2); c.744_747del, p.Tyr247_Tyr248insTer (NM_001321542.2).
Identifiers: ClinVar variation 1172541 (VCV001172541.5), dbSNP rs2102658561, ClinGen allele CA915940198.
Genomic context (GRCh38, chr1:224,192,357, plus strand): 5'-TCATTTTTCATCTTGCTGTATTTTTTCCCTTCTAGGTGAGGAAAATAGCAGCTGAATACT[ATGAC>A]AACCTCCCTCACTACAATTCCTGGATAAAAGTACTGTATGATTTTGTGATGGATGATACA-3'